The following is an entry in ClinVar:

NM_001367721.1(CASK):c.2561T>C (p.Val854Ala)

Gene: CASK (calcium/calmodulin dependent serine protein kinase; minus strand). Cytogenetic location: Xp11.4.
Variant type: single nucleotide variant.
Coding change: c.2561T>C on transcript NM_001367721.1 (MANE Select); coding-DNA position 2561, T replaced by C.
Protein change: p.Val854Ala; replaces valine 854 with alanine.
Molecular consequence: missense variant.
Genome position (GRCh38, 1-based): chrX:41,523,994, A>G on the plus strand (T>C on the coding strand, the complement: CASK is on the minus strand). VCF-style: chrX-41523994-A-G. GRCh37 (hg19) VCF-style: chrX-41383247-A-G.
Other names: c.2477T>C, p.Val826Ala (NM_001126054.3); c.2474T>C, p.Val825Ala (NM_001126055.3); c.2543T>C, p.Val848Ala (NM_001410745.1); c.2546T>C, p.Val849Ala (NM_003688.4); short protein forms V849A, V825A, V854A, V826A, V848A.
Identifiers: ClinVar variation 619127 (VCV000619127.4), dbSNP rs1569283243, ClinGen allele CA412989165.

ClinVar aggregate classification (germline): Likely pathogenic (1 of 4 stars; one submission).

Conditions:
Syndromic X-linked intellectual disability Najm type (MICPCH). Also called: Mental retardation and microcephaly with pontine and cerebellar hypoplasia; MENTAL RETARDATION, X-LINKED, SYNDROMIC, NAJM TYPE; Intellectual Disability and Microcephaly with Pontine and Cerebellar Hypoplasia (MICPCH); Intellectual Disability and Microcephaly with Pontine and Cerebellar Hypoplasia; MICPCH SYNDROME; Intellectual developmental disorder and microcephaly with pontine and cerebellar hypoplasia. Identifiers: Orphanet 163937, MedGen C2677903, MONDO:0010417, OMIM 300749.
FG syndrome 4 (FGS4). Identifiers: MedGen C1845546, MONDO:0010318, OMIM 300422.

Submission:

Diagnostics Division, CENTRE FOR DNA FINGERPRINTING AND DIAGNOSTICS
Classification: Likely pathogenic for FG syndrome 4; Syndromic X-linked intellectual disability Najm type. Review status: criteria provided, single submitter. Criteria: ACMG Guidelines, 2015. Collection method: research. Allele origin: germline. Inheritance: X-linked inheritance. Affected: yes. Observed: 1 hemizygote.
Comment: Missense variant